The following is an entry in ClinVar:

NM_022369.4(STRA6):c.649G>A (p.Gly217Arg)

Gene: STRA6 (signaling receptor and transporter of retinol STRA6; minus strand). Cytogenetic location: 15q24.1.
Variant type: single nucleotide variant.
Coding change: c.649G>A on transcript NM_022369.4 (MANE Select); coding-DNA position 649, G replaced by A.
Protein change: p.Gly217Arg; replaces glycine 217 with arginine.
Molecular consequence: missense variant.
Genome position (GRCh38, 1-based): chr15:74,193,871, C>T on the plus strand (G>A on the coding strand, the complement: STRA6 is on the minus strand). VCF-style: chr15-74193871-C-T. GRCh37 (hg19) VCF-style: chr15-74486212-C-T.
Other names: c.649G>A, p.Gly217Arg (NM_001142617.2, NM_001142618.2); c.622G>A, p.Gly208Arg (NM_001142619.2); c.760G>A, p.Gly254Arg (NM_001199040.2); c.694G>A, p.Gly232Arg (NM_001199041.2); c.766G>A, p.Gly256Arg (NM_001199042.2); short protein forms G208R, G217R, G232R, G254R, G256R.
Identifiers: ClinVar variation 1306157 (VCV001306157.2), dbSNP rs200572691, ClinGen allele CA272757555.

ClinVar aggregate classification (germline): Uncertain significance (1 of 4 stars; one submission).

Allele frequency attached by ClinVar (database versions not stated): gnomAD exomes below 0.00001 and 0.00001; gnomAD 0.00003; TOPMed 0.00003.

Submission:

GeneDx
Classification: Uncertain significance. Last evaluated: 2019-05-30. Review status: criteria provided, single submitter. Criteria: GeneDx Variant Classification Process June 2021. Collection method: clinical testing. Allele origin: germline. Affected: yes.
Comment: In silico analysis, which includes protein predictors and evolutionary conservation, supports that this variant does not alter protein structure/function; Has not been previously published as pathogenic or benign to our knowledge